The following is an entry in ClinVar:

NM_002471.4(MYH6):c.5167A>G (p.Thr1723Ala)

Gene: MYH6 (myosin heavy chain 6; minus strand). Cytogenetic location: 14q11.2.
Variant type: single nucleotide variant.
Coding change: c.5167A>G on transcript NM_002471.4 (MANE Select); coding-DNA position 5167, A replaced by G.
Protein change: p.Thr1723Ala; replaces threonine 1723 with alanine.
Molecular consequence: missense variant.
Genome position (GRCh38, 1-based): chr14:23,385,038, T>C on the plus strand (A>G on the coding strand, the complement: MYH6 is on the minus strand). VCF-style: chr14-23385038-T-C. GRCh37 (hg19) VCF-style: chr14-23854247-T-C.
Other names: short protein forms T1723A.
Identifiers: ClinVar variation 1745754 (VCV001745754.3), dbSNP rs1373782211, ClinGen allele CA388988707.

ClinVar aggregate classification (germline): Uncertain significance (1 of 4 stars; one submission).

Conditions:
Cardiovascular phenotype. Identifiers: MedGen CN230736.

Allele frequency attached by ClinVar (database versions not stated): gnomAD exomes below 0.00001.

Submission:

Ambry Genetics
Classification: Uncertain significance for Cardiovascular phenotype. Last evaluated: 2025-07-09. Review status: criteria provided, single submitter. Criteria: Ambry Variant Classification Scheme 2023. Collection method: clinical testing. Allele origin: germline.
Comment: The p.T1723A variant (also known as c.5167A>G), located in coding exon 33 of the MYH6 gene, results from an A to G substitution at nucleotide position 5167. The threonine at codon 1723 is replaced by alanine, an amino acid with similar properties. This amino acid position is conserved. In addition, the in silico prediction for this alteration is inconclusive. Since supporting evidence is limited at this time, the clinical significance of this alteration remains unclear.